The following is an entry in ClinVar:

ClinVar aggregate classification (germline): Likely benign. Review status: criteria provided, single submitter (1 of 4 stars). 2 submissions from 2 submitters: Likely benign (1). 1 of the submissions does not count toward it. Last evaluated 2022-01-03.

Conditions:
TRMU-related disorder. Also called: TRMU-related condition.

Submissions (2):

Labcorp Genetics (formerly Invitae), Labcorp
Classification: Likely benign. Last evaluated: 2022-01-03. Review status: criteria provided, single submitter. Criteria: Invitae Variant Classification Sherloc (09022015). Collection method: clinical testing. Allele origin: germline.

PreventionGenetics, part of Exact Sciences
Classification: Likely benign for TRMU-related condition. Last evaluated: 2023-10-30. Review status: no assertion criteria provided. Collection method: clinical testing. Allele origin: germline. Not counted in ClinVar's aggregate classification.
Comment: This variant is classified as likely benign based on ACMG/AMP sequence variant interpretation guidelines (Richards et al. 2015 PMID: 25741868, with internal and published modifications).

NM_018006.5(TRMU):c.652-4dup

Gene: TRMU (tRNA mitochondrial 2-thiouridylase; plus strand). Cytogenetic location: 22q13.31.
Variant type: Duplication.
Coding change: c.652-4dup on transcript NM_018006.5 (MANE Select); 4 bases into the intron before coding-DNA position 652, one base duplicated (T; older notation c.652-4dupT).
Molecular consequence: intron variant.
Genome position (GRCh38, 1-based): chr22:46,352,117, T duplicated; the last of 3 consecutive T bases (chr22:46,352,115-46,352,117); duplicating any one gives the same sequence. VCF-style (leftmost placement, unchanged base first): chr22-46352114-A-AT. GRCh37 (hg19) VCF-style: chr22-46748011-A-AT.
Other names: c.652-4dupT (NM_018006.4); c.652-4dup (NM_001282785.2); c.310-4dup (NM_001282782.2); c.232-4dup (NM_001282783.2, NM_001282784.2).
Identifiers: ClinVar variation 1603648 (VCV001603648.10), dbSNP rs2078446931, ClinGen allele CA2408700771.
Genomic context (GRCh38, chr22:46,352,114, plus strand): 5'-ACGTCTGGGTACAGCTTGGGCCACCGCCACTTCTGCTCCTCTCACGGCTGCCGTCTTCTC[A>AT]TTTCAGAGCATGGGCATGTGTTTCATCGGGAAGAGGAATTTTGAACATTTCCTTCTTCAG-3'